The following is an entry in ClinVar:

ClinVar aggregate classification (germline): Uncertain significance (1 of 4 stars; one submission).

Conditions:
Inborn genetic diseases. Identifiers: MedGen C0950123, MeSH D030342.

Submission:

Ambry Genetics
Classification: Uncertain significance for Inborn genetic diseases. Last evaluated: 2025-06-29. Review status: criteria provided, single submitter. Criteria: Ambry Variant Classification Scheme 2023. Collection method: clinical testing. Allele origin: germline.
Comment: The p.T596S variant (also known as c.1787C>G), located in coding exon 8 of the MECOM gene, results from a C to G substitution at nucleotide position 1787. The threonine at codon 596 is replaced by serine, an amino acid with similar properties. This amino acid position is conserved. In addition, this alteration is predicted to be tolerated by in silico analysis. Based on the available evidence, the clinical significance of this variant remains unclear.

NM_004991.4(MECOM):c.1787C>G (p.Thr596Ser)

Gene: MECOM (MDS1 and EVI1 complex locus; minus strand). Cytogenetic location: 3q26.2.
Variant type: single nucleotide variant.
Coding change: c.1787C>G on transcript NM_004991.4 (MANE Select); coding-DNA position 1787, C replaced by G.
Protein change: p.Thr596Ser; replaces threonine 596 with serine.
Molecular consequence: missense variant. On other transcripts: intron variant (2).
Genome position (GRCh38, 1-based): chr3:169,116,085, G>C on the plus strand (C>G on the coding strand, the complement: MECOM is on the minus strand). VCF-style: chr3-169116085-G-C. GRCh37 (hg19) VCF-style: chr3-168833873-G-C.
Other names: c.1223C>G, p.Thr408Ser (NM_001366469.2, NM_001366471.2, NM_001366472.2 and 4 more transcripts); c.1226C>G, p.Thr409Ser (NM_001366470.2, NM_001163999.2, NM_001366467.2 and 1 more transcripts); c.1133-318C>G (NM_001366473.2); c.569-318C>G (NM_001366474.2); c.1418C>G, p.Thr473Ser (NM_001105077.4); c.1787C>G, p.Thr596Ser (NM_001366466.2); short protein forms T408S, T409S, T473S, T596S.
Identifiers: ClinVar variation 4105741 (VCV004105741.1).